The following is an entry in ClinVar:

NM_001130823.3(DNMT1):c.616G>A (p.Asp206Asn)

Gene: DNMT1 (DNA methyltransferase 1; minus strand). Cytogenetic location: 19p13.2.
Variant type: single nucleotide variant.
Coding change: c.616G>A on transcript NM_001130823.3 (MANE Select); coding-DNA position 616, G replaced by A.
Protein change: p.Asp206Asn; replaces aspartic acid 206 with asparagine.
Molecular consequence: missense variant.
Genome position (GRCh38, 1-based): chr19:10,175,572, C>T on the plus strand (G>A on the coding strand, the complement: DNMT1 is on the minus strand). VCF-style: chr19-10175572-C-T. GRCh37 (hg19) VCF-style: chr19-10286248-C-T.
Other names: c.568G>A, p.Asp190Asn (NM_001318730.2, NM_001379.4); c.253G>A, p.Asp85Asn (NM_001318731.2); short protein forms D190N, D206N, D85N.
Identifiers: ClinVar variation 3362343 (VCV003362343.7).

ClinVar aggregate classification (germline): Uncertain significance. Review status: criteria provided, multiple submitters, no conflicts (2 of 4 stars). 4 submissions from 4 submitters: Uncertain significance (4). Last evaluated 2024-11-20.

Conditions:
Hereditary sensory neuropathy-deafness-dementia syndrome. Also called: HSN IE; NEUROPATHY, HEREDITARY SENSORY, WITH HEARING LOSS AND DEMENTIA; Hereditary sensory neuropathy type IE; Hereditary Sensory and Autonomic Neuropathy Type 1E (HSAN1E). Identifiers: Orphanet 456318, MedGen C3279885, MONDO:0013584, OMIM 614116.
Autosomal dominant cerebellar ataxia, deafness and narcolepsy. Also called: Autosomal Dominant Cerebellar Ataxia, Deafness, and Narcolepsy (ADCA-DN). Identifiers: Orphanet 314404, MedGen C4302668, MONDO:0011397, OMIM 604121.

Submissions (4):

Revvity Omics, Revvity
Classification: Uncertain significance. Last evaluated: 2024-11-20. Review status: criteria provided, single submitter. Criteria: ACMG Guidelines, 2015. Collection method: clinical testing. Allele origin: germline.

Labcorp Genetics (formerly Invitae), Labcorp
Classification: Uncertain significance for Hereditary sensory neuropathy-deafness-dementia syndrome. Last evaluated: 2024-11-15. Review status: criteria provided, single submitter. Criteria: Invitae Variant Classification Sherloc (09022015). Collection method: clinical testing. Allele origin: germline.
Comment: This sequence change replaces aspartic acid, which is acidic and polar, with asparagine, which is neutral and polar, at codon 206 of the DNMT1 protein (p.Asp206Asn). This variant is present in population databases (no rsID available, gnomAD 0.003%). This variant has not been reported in the literature in individuals affected with DNMT1-related conditions. An algorithm developed to predict the effect of missense changes on protein structure and function (PolyPhen-2) suggests that this variant is likely to be tolerated. In summary, the available evidence is currently insufficient to determine the role of this variant in disease. Therefore, it has been classified as a Variant of Uncertain Significance.

Neuberg Centre For Genomic Medicine, NCGM
Classification: Uncertain significance for Autosomal dominant cerebellar ataxia, deafness and narcolepsy. Last evaluated: 2023-05-20. Review status: criteria provided, single submitter. Criteria: ACMG Guidelines, 2015. Collection method: clinical testing. Allele origin: germline. Inheritance: Autosomal dominant inheritance. Affected: yes.
Comment: The observed missense c.616G>A(p.Asp206Asn) variant in DNMT1 gene has not been reported previously as a pathogenic variant nor as a benign variant, to our knowledge. This variant is reported with the allele frequency of 0.0004% in the gnomAD Exomes. The amino acid Asp at position 206 is changed to a Asn changing protein sequence and it might alter its composition and physico-chemical properties. The amino acid change p.Asp206Asn in DNMT1 is predicted as conserved by GERP++ and PhyloP across 100 vertebrates. Computational evidence (Polyphen - Benign, SIFT - Tolerated, and MutationTaster - Polymorphism) predicts conflicting evidence on protein structure and function for this variant. For these reasons, this variant has been classified as Uncertain Significance.

Blueprint Genetics
Classification: Uncertain significance. Last evaluated: 2020-11-30. Review status: criteria provided, single submitter. Criteria: ACMG Guidelines, 2015. Collection method: clinical testing. Allele origin: germline.